The following is an entry in ClinVar:

ClinVar aggregate classification (germline): Uncertain significance. Review status: criteria provided, multiple submitters, no conflicts (2 of 4 stars). 2 submissions from 2 submitters: Uncertain significance (2). Last evaluated 2025-10-06.

Conditions:
Neurofibromatosis, type 1 (NF1). Also called: Peripheral type neurofibromatosis; VON RECKLINGHAUSEN DISEASE; NEUROFIBROMATOSIS, TYPE I, SOMATIC; Neurofibromatosis, type I. Identifiers: Orphanet 636, MedGen C0027831, MONDO:0018975, OMIM 162200. Disease mechanism: loss of function.

Submissions (2):

3billion
Classification: Uncertain significance for Neurofibromatosis, type 1. Last evaluated: 2025-10-06. Review status: criteria provided, single submitter. Criteria: ACMG Guidelines, 2015. Collection method: clinical testing. Allele origin: germline. Affected: yes.
Comment: The variant is not observed in the gnomAD v4.1.0 dataset. Predicted Consequence/Location: Intron variant In silico tools predict the variant to alter splicing and produce an abnormal transcript [SpliceAI: 0.52 (>=0.2, moderate evidence for spliceogenicity)]. The variant has been reported as of uncertain significance (ClinVar ID: VCV001995388). Therefore, this variant is classified as VUS according to the recommendation of ACMG/AMP guideline.

Labcorp Genetics (formerly Invitae), Labcorp
Classification: Uncertain significance for Neurofibromatosis, type 1. Last evaluated: 2022-08-09. Review status: criteria provided, single submitter. Criteria: Invitae Variant Classification Sherloc (09022015). Collection method: clinical testing. Allele origin: germline.
Comment: In summary, the available evidence is currently insufficient to determine the role of this variant in disease. Therefore, it has been classified as a Variant of Uncertain Significance. Algorithms developed to predict the effect of sequence changes on RNA splicing suggest that this variant may disrupt the consensus splice site. This variant has not been reported in the literature in individuals affected with NF1-related conditions. This variant is not present in population databases (gnomAD no frequency). This sequence change falls in intron 33 of the NF1 gene. It does not directly change the encoded amino acid sequence of the NF1 protein.

NM_001042492.3(NF1):c.4578-19A>C

Gene: NF1 (neurofibromin 1; plus strand). Cytogenetic location: 17q11.2.
Variant type: single nucleotide variant.
Coding change: c.4578-19A>C on transcript NM_001042492.3 (MANE Select); 19 bases into the intron before coding-DNA position 4578, A replaced by C.
Molecular consequence: intron variant.
Genome position (GRCh38, 1-based): chr17:31,261,692, A>C. VCF-style: chr17-31261692-A-C. GRCh37 (hg19) VCF-style: chr17-29588710-A-C.
Other names: c.4515-19A>C (NM_000267.4).
Identifiers: ClinVar variation 1995388 (VCV001995388.5), dbSNP rs1555618994, ClinGen allele CA2580093280.